The following is an entry in ClinVar:

ClinVar aggregate classification (germline): Conflicting classifications of pathogenicity. Review status: criteria provided, conflicting classifications (1 of 4 stars). 2 submissions from 2 submitters: Uncertain significance (1); Likely benign (1). Last evaluated 2025-12-02.

Conditions:
Hereditary cancer-predisposing syndrome. Also called: Hereditary Cancer Syndrome; Neoplastic Syndromes, Hereditary; Tumor predisposition; Hereditary neoplastic syndrome. Identifiers: Orphanet 140162, MedGen C0027672, MeSH D009386, MONDO:0015356.

Allele frequency attached by ClinVar (database versions not stated): gnomAD exomes below 0.00001; TOPMed below 0.00001.
gnomAD v4.1: 6 of 1,536,414 alleles (0.00039%); highest among the groups gnomAD compares: Non-Finnish European, 0.00045%; no homozygotes.

Submissions (2):

Labcorp Genetics (formerly Invitae), Labcorp
Classification: Likely benign. Last evaluated: 2025-12-02. Review status: criteria provided, single submitter. Criteria: Invitae Variant Classification Sherloc (09022015). Collection method: clinical testing. Allele origin: germline.

Ambry Genetics
Classification: Uncertain significance for Hereditary cancer-predisposing syndrome. Last evaluated: 2024-06-11. Review status: criteria provided, single submitter. Criteria: Ambry Variant Classification Scheme 2023. Collection method: clinical testing. Allele origin: germline.
Comment: The c.1569-5T>C intronic variant results from a T to C substitution 5 nucleotides upstream from coding exon 11 in the MSH3 gene. This nucleotide position is not well conserved in available vertebrate species. In silico splice site analysis predicts that this alteration will not have any significant effect on splicing. Based on the available evidence, the clinical significance of this variant remains unclear.

NM_002439.5(MSH3):c.1569-5T>C

Gene: MSH3 (mutS homolog 3; plus strand). Cytogenetic location: 5q14.1.
Variant type: single nucleotide variant.
Coding change: c.1569-5T>C on transcript NM_002439.5 (MANE Select); 5 bases into the intron before coding-DNA position 1569, T replaced by C.
Molecular consequence: intron variant.
Genome position (GRCh38, 1-based): chr5:80,741,459, T>C. VCF-style: chr5-80741459-T-C. GRCh37 (hg19) VCF-style: chr5-80037278-T-C.
Identifiers: ClinVar variation 1084286 (VCV001084286.12), dbSNP rs1743611889, ClinGen allele CA1558510339.